The following is an entry in ClinVar:

ClinVar aggregate classification (germline): Pathogenic (1 of 4 stars; one submission).

Conditions:
Charcot-Marie-Tooth disease axonal type 2S. Also called: CHARCOT-MARIE-TOOTH DISEASE, AXONAL, AUTOSOMAL RECESSIVE, TYPE 2S; CHARCOT-MARIE-TOOTH NEUROPATHY, TYPE 2S. Identifiers: Orphanet 443073, MedGen C4015349, MONDO:0014511, OMIM 616155.

Submission:

3billion
Classification: Pathogenic for Charcot-Marie-Tooth disease axonal type 2S. Last evaluated: 2023-02-23. Review status: criteria provided, single submitter. Criteria: ACMG Guidelines, 2015. Collection method: clinical testing. Allele origin: unknown. Affected: yes.
Comment: The variant is not observed in the gnomAD v2.1.1 dataset. This variant was predicted to result in a loss or disruption of normal protein function through nonsense-mediated decay (NMD) or protein truncation. Multiple pathogenic variants are reported downstream of the variant. Therefore, this variant is classified as Pathogenic according to the recommendation of ACMG/AMP guideline.

NM_002180.3(IGHMBP2):c.2599A>T (p.Lys867Ter)

Gene: IGHMBP2 (immunoglobulin mu DNA binding protein 2; plus strand). Cytogenetic location: 11q13.3.
Variant type: single nucleotide variant.
Coding change: c.2599A>T on transcript NM_002180.3 (MANE Select); coding-DNA position 2599, A replaced by T.
Protein change: p.Lys867Ter; replaces lysine 867 with a stop codon.
Molecular consequence: nonsense.
Genome position (GRCh38, 1-based): chr11:68,937,079, A>T. VCF-style: chr11-68937079-A-T. GRCh37 (hg19) VCF-style: chr11-68704547-A-T.
Other names: short protein forms K867*.
Identifiers: ClinVar variation 2444085 (VCV002444085.1), dbSNP rs753639706, ClinGen allele CA381654132.